The following is an entry in ClinVar:

ClinVar aggregate classification (germline): Uncertain significance. Review status: criteria provided, multiple submitters, no conflicts (2 of 4 stars). 2 submissions from 2 submitters: Uncertain significance (2). Last evaluated 2025-11-18.

Allele frequency attached by ClinVar (database versions not stated): gnomAD 0.00007; ESP Exome Variant Server 0.00008; ExAC 0.00009; gnomAD exomes 0.00010; TOPMed 0.00011.
gnomAD v4.1: 156 of 1,614,050 alleles (0.0097%); highest among the groups gnomAD compares: Non-Finnish European, 0.012%; no homozygotes.

Submissions (2):

Labcorp Genetics (formerly Invitae), Labcorp
Classification: Uncertain significance. Last evaluated: 2025-11-18. Review status: criteria provided, single submitter. Criteria: Invitae Variant Classification Sherloc (09022015). Collection method: clinical testing. Allele origin: germline.
Comment: This sequence change replaces aspartic acid, which is acidic and polar, with glycine, which is neutral and non-polar, at codon 60 of the KLHL9 protein (p.Asp60Gly). This variant is present in population databases (rs140581276, gnomAD 0.01%). This variant has not been reported in the literature in individuals affected with KLHL9-related conditions. ClinVar contains an entry for this variant (Variation ID: 2060270). An algorithm developed to predict the effect of missense changes on protein structure and function (PolyPhen-2) suggests that this variant is likely to be tolerated. In summary, the available evidence is currently insufficient to determine the role of this variant in disease. Therefore, it has been classified as a Variant of Uncertain Significance.

Ambry Genetics
Classification: Uncertain significance. Last evaluated: 2025-09-22. Review status: criteria provided, single submitter. Criteria: Ambry Variant Classification Scheme 2023. Collection method: clinical testing. Allele origin: germline.

NM_018847.4(KLHL9):c.179A>G (p.Asp60Gly)

Gene: KLHL9 (kelch like family member 9; minus strand). Cytogenetic location: 9p21.3.
Variant type: single nucleotide variant.
Coding change: c.179A>G on transcript NM_018847.4 (MANE Select); coding-DNA position 179, A replaced by G.
Protein change: p.Asp60Gly; replaces aspartic acid 60 with glycine.
Molecular consequence: missense variant.
Genome position (GRCh38, 1-based): chr9:21,334,681, T>C on the plus strand (A>G on the coding strand, the complement: KLHL9 is on the minus strand). VCF-style: chr9-21334681-T-C. GRCh37 (hg19) VCF-style: chr9-21334680-T-C.
Other names: c.179A>G (NM_018847.2); short protein forms D60G.
Identifiers: ClinVar variation 2060270 (VCV002060270.7), dbSNP rs140581276, ClinGen allele CA5010688.
Genomic context (GRCh38, chr9:21,334,681, plus strand): 5'-ATGGCTTTGAAATAATCACTAGCAGACGCCATCATAGCTCTGTGAACAGGGAAGATTTCA[T>C]CTCCATCACCTGGTACCAGGGTCACATCACAAAGCAATCCTTCTATTCTAAGCTGATCAA-3'
Protein context (NP_061335.1, residues 50-70): CDVTLVPGDG[Asp60Gly]EIFPVHRAMM